The following is an entry in ClinVar:

NM_024301.5(FKRP):c.935G>T (p.Arg312Leu)

Gene: FKRP (fukutin related protein; plus strand). Cytogenetic location: 19q13.32.
Variant type: single nucleotide variant.
Coding change: c.935G>T on transcript NM_024301.5 (MANE Select); coding-DNA position 935, G replaced by T.
Protein change: p.Arg312Leu; replaces arginine 312 with leucine.
Molecular consequence: missense variant.
Genome position (GRCh38, 1-based): chr19:46,756,385, G>T. VCF-style: chr19-46756385-G-T. GRCh37 (hg19) VCF-style: chr19-47259642-G-T.
Other names: c.935G>T, p.Arg312Leu (NM_001039885.3); short protein forms R312L.
Identifiers: ClinVar variation 1180823 (VCV001180823.7), dbSNP rs868138875, ClinGen allele CA309099625.
Genomic context (GRCh38, chr19:46,756,385, plus strand): 5'-AGACCACGCGCTGCTTCGGAACCGTGGTGGGCGACACGCCCGCCTACCTCTACGAGGAGC[G>T]CTGGACGCCCCCCTGCTGCCTGCGCGCGCTGCGCGAGACCGCCCGCTATGTGGTGGGCGT-3'
Protein context (NP_077277.1, residues 302-322): GDTPAYLYEE[Arg312Leu]WTPPCCLRAL

ClinVar aggregate classification (germline): Conflicting classifications of pathogenicity. Review status: criteria provided, conflicting classifications (1 of 4 stars). 2 submissions from 2 submitters: Likely pathogenic (1); Uncertain significance (1). Last evaluated 2022-01-13.

Conditions:
Abnormality of the musculature. Identifiers: MedGen C4021745, HP:0003011.
Walker-Warburg congenital muscular dystrophy. Also called: Muscular dystrophy-dystroglycanopathy, type A; Walker-Warburg syndrome. Identifiers: Orphanet 899, MedGen C0265221, MONDO:0000171.

Submissions (2):

Labcorp Genetics (formerly Invitae), Labcorp
Classification: Uncertain significance for Walker-Warburg congenital muscular dystrophy. Last evaluated: 2022-01-13. Review status: criteria provided, single submitter. Criteria: Invitae Variant Classification Sherloc (09022015). Collection method: clinical testing. Allele origin: germline.
Comment: This variant is not present in population databases (gnomAD no frequency). In summary, the available evidence is currently insufficient to determine the role of this variant in disease. Therefore, it has been classified as a Variant of Uncertain Significance. Algorithms developed to predict the effect of missense changes on protein structure and function are either unavailable or do not agree on the potential impact of this missense change (SIFT: "Deleterious"; PolyPhen-2: "Probably Damaging"; Align-GVGD: "Class C0"). This variant has not been reported in the literature in individuals affected with FKRP-related conditions. This sequence change replaces arginine, which is basic and polar, with leucine, which is neutral and non-polar, at codon 312 of the FKRP protein (p.Arg312Leu).

Kariminejad - Najmabadi Pathology & Genetics Center
Classification: Likely pathogenic for Abnormality of the musculature. Last evaluated: 2021-07-10. Review status: criteria provided, single submitter. Criteria: ACMG Guidelines, 2015. Collection method: clinical testing. Allele origin: germline. Affected: yes.